The following is an entry in ClinVar:

NM_001127222.2(CACNA1A):c.6735G>T (p.Trp2245Cys)

Genes: CACNA1A (calcium voltage-gated channel subunit alpha1 A; minus strand), LOC130063717 (ATAC-STARR-seq lymphoblastoid silent region 10203; plus strand). Cytogenetic location: 19p13.13.
Variant type: single nucleotide variant.
Coding change: c.6735G>T on transcript NM_001127222.2 (MANE Select); coding-DNA position 6735, G replaced by T.
Protein change: p.Trp2245Cys; replaces tryptophan 2245 with cysteine.
Molecular consequence: missense variant.
Genome position (GRCh38, 1-based): chr19:13,208,801, C>A on the plus strand (G>T on the coding strand, the complement: CACNA1A is on the minus strand). VCF-style: chr19-13208801-C-A. GRCh37 (hg19) VCF-style: chr19-13319615-C-A.
Other names: c.6753G>T, p.Trp2251Cys (NM_000068.4, NM_023035.3); c.6738G>T, p.Trp2246Cys (NM_001127221.2); c.6744G>T, p.Trp2248Cys (NM_001174080.2); short protein forms W2245C, W2246C, W2248C, W2251C.
Identifiers: ClinVar variation 1005497 (VCV001005497.10), dbSNP rs2054680655, ClinGen allele CA404329494.

ClinVar aggregate classification (germline): Uncertain significance. Review status: criteria provided, multiple submitters, no conflicts (2 of 4 stars). 2 submissions from 2 submitters: Uncertain significance (2). Last evaluated 2025-11-04.

Conditions:
Migraine, familial hemiplegic, 1. Also called: MIGRAINE, FAMILIAL HEMIPLEGIC 1, WITH PROGRESSIVE CEREBELLAR ATAXIA. Identifiers: Orphanet 569, MedGen C1832884, MONDO:0020756, OMIM 141500, MONDO:0007714.
Developmental and epileptic encephalopathy, 42 (DEE42A). Also called: Epileptic encephalopathy, early infantile, 42; DEVELOPMENTAL AND EPILEPTIC ENCEPHALOPATHY 42A; EPILEPTIC ENCEPHALOPATHY, EARLY INFANTILE, 42A. Identifiers: MedGen C4310716, MONDO:0014917, OMIM 617106.
Episodic ataxia type 2 (EA2). Also called: ACETAZOLAMIDE-RESPONSIVE HEREDITARY PAROXYSMAL CEREBELLAR ATAXIA; ATAXIA, EPISODIC, WITH NYSTAGMUS; ATAXIA, FAMILIAL PAROXYSMAL; CEREBELLAR ATAXIA, PAROXYSMAL, ACETAZOLAMIDE-RESPONSIVE; CEREBELLOPATHY, HEREDITARY PAROXYSMAL; EPISODIC ATAXIA, NYSTAGMUS-ASSOCIATED. Identifiers: Orphanet 97, MedGen C1720416, MONDO:0007163, OMIM 108500.

Submissions (2):

Human Genetics Bochum, Ruhr University Bochum
Classification: Uncertain significance for Migraine, familial hemiplegic, 1. Last evaluated: 2025-11-04. Review status: criteria provided, single submitter. Criteria: ACMG Guidelines, 2015. Collection method: clinical testing. Allele origin: germline. Affected: yes.
Comment: ACMG criteria used to clasify this variant: PM2_SUP, PP2, PP3

Labcorp Genetics (formerly Invitae), Labcorp
Classification: Uncertain significance for Developmental and epileptic encephalopathy, 42; Episodic ataxia type 2. Last evaluated: 2025-09-16. Review status: criteria provided, single submitter. Criteria: Invitae Variant Classification Sherloc (09022015). Collection method: clinical testing. Allele origin: germline.
Comment: This sequence change replaces tryptophan, which is neutral and slightly polar, with cysteine, which is neutral and slightly polar, at codon 2246 of the CACNA1A protein (p.Trp2246Cys). This variant is not present in population databases (gnomAD no frequency). This variant has not been reported in the literature in individuals affected with CACNA1A-related conditions. ClinVar contains an entry for this variant (Variation ID: 1005497). Invitae Evidence Modeling of protein sequence and biophysical properties (such as structural, functional, and spatial information, amino acid conservation, physicochemical variation, residue mobility, and thermodynamic stability) indicates that this missense variant is not expected to disrupt CACNA1A protein function with a negative predictive value of 95%. In summary, the available evidence is currently insufficient to determine the role of this variant in disease. Therefore, it has been classified as a Variant of Uncertain Significance.